The following is an entry in ClinVar:

ClinVar aggregate classification (germline): Uncertain significance (1 of 4 stars; one submission).

Allele frequency attached by ClinVar (database versions not stated): gnomAD exomes 0.00002 and 0.00005; gnomAD 0.00006; ExAC 0.00008; TOPMed 0.00010; ESP Exome Variant Server 0.00015.
gnomAD v4.1: 42 of 1,613,904 alleles (0.0026%); highest among the groups gnomAD compares: African/African-American, 0.017%; no homozygotes.

Submission:

ARUP Laboratories, Molecular Genetics and Genomics, ARUP Laboratories
Classification: Uncertain significance. Last evaluated: 2017-12-20. Review status: criteria provided, single submitter. Criteria: ARUP Molecular Germline Variant Investigation Process. Collection method: clinical testing. Allele origin: germline.
Comment: The p.Arg354His variant (rs147781342) has not been reported in the medical literature, gene specific variation databases, nor has it been previously identified by our laboratory. This variant is listed in the Genome Aggregation Database (gnomAD) with a frequency of 0.04 percent in the African population (identified on 6 out of 15,252 chromosomes). The arginine at position 354 is highly conserved up to tetraodon considering 11 species (Alamut v2.10) and computational analyses of the effects of the p.Arg354His variant on protein structure and function provide conflicting results (SIFT: tolerated, MutationTaster: disease causing, PolyPhen-2: probably damaing). Altogether, there is not enough evidence to classify the p.Arg354His variant with certainty.

NM_006587.4(CORIN):c.1061G>A (p.Arg354His)

Gene: CORIN (corin, serine peptidase; minus strand). Cytogenetic location: 4p12.
Variant type: single nucleotide variant.
Coding change: c.1061G>A on transcript NM_006587.4 (MANE Select); coding-DNA position 1061, G replaced by A.
Protein change: p.Arg354His; replaces arginine 354 with histidine.
Molecular consequence: missense variant. On other transcripts: intron variant (2).
Genome position (GRCh38, 1-based): chr4:47,680,212, C>T on the plus strand (G>A on the coding strand, the complement: CORIN is on the minus strand). VCF-style: chr4-47680212-C-T. GRCh37 (hg19) VCF-style: chr4-47682229-C-T.
Other names: c.821-2158G>A (NM_001278585.2); c.1022-2158G>A (NM_001278586.2); short protein forms R354H.
Identifiers: ClinVar variation 618585 (VCV000618585.9), dbSNP rs147781342, ClinGen allele CA2909805.